The following is an entry in ClinVar:

ClinVar aggregate classification (germline): Uncertain significance (1 of 4 stars; one submission).

Conditions:
Inborn genetic diseases. Identifiers: MedGen C0950123, MeSH D030342.

Submission:

Ambry Genetics
Classification: Uncertain significance for Inborn genetic diseases. Last evaluated: 2022-08-29. Review status: criteria provided, single submitter. Criteria: Ambry Variant Classification Scheme 2023. Collection method: clinical testing. Allele origin: germline.
Comment: The p.V334M variant (also known as c.1000G>A), located in coding exon 4 of the SMAD6 gene, results from a G to A substitution at nucleotide position 1000. The valine at codon 334 is replaced by methionine, an amino acid with highly similar properties. This amino acid position is conserved. In addition, this alteration is predicted to be deleterious by in silico analysis. Since supporting evidence is limited at this time, the clinical significance of this alteration remains unclear.

NM_005585.5(SMAD6):c.1000G>A (p.Val334Met)

Gene: SMAD6 (SMAD family member 6; plus strand). Cytogenetic location: 15q22.31.
Variant type: single nucleotide variant.
Coding change: c.1000G>A on transcript NM_005585.5 (MANE Select); coding-DNA position 1000, G replaced by A.
Protein change: p.Val334Met; replaces valine 334 with methionine.
Molecular consequence: missense variant. On other transcripts: non-coding transcript variant (1).
Genome position (GRCh38, 1-based): chr15:66,781,044, G>A. VCF-style: chr15-66781044-G-A. GRCh37 (hg19) VCF-style: chr15-67073382-G-A.
Other names: short protein forms V334M.
Identifiers: ClinVar variation 1750271 (VCV001750271.2), dbSNP rs772926628, ClinGen allele CA393201648.